The following is an entry in ClinVar:

NM_000138.5(FBN1):c.5891T>C (p.Val1964Ala)

Gene: FBN1 (fibrillin 1; minus strand). Cytogenetic location: 15q21.1.
Variant type: single nucleotide variant.
Coding change: c.5891T>C on transcript NM_000138.5 (MANE Select); coding-DNA position 5891, T replaced by C.
Protein change: p.Val1964Ala; replaces valine 1964 with alanine.
Molecular consequence: missense variant.
Genome position (GRCh38, 1-based): chr15:48,445,402, A>G on the plus strand (T>C on the coding strand, the complement: FBN1 is on the minus strand). VCF-style: chr15-48445402-A-G. GRCh37 (hg19) VCF-style: chr15-48737599-A-G.
Other names: short protein forms V1964A.
Identifiers: ClinVar variation 923013 (VCV000923013.5), dbSNP rs1252001573, ClinGen allele CA392339972.

ClinVar aggregate classification (germline): Uncertain significance (1 of 4 stars; one submission).

Conditions:
Familial thoracic aortic aneurysm and aortic dissection (TAAD). Also called: Thoracic aortic aneurysms and dissections. Identifiers: Orphanet 91387, MedGen C4707243, MONDO:0019625.

Submission:

Color Diagnostics, LLC DBA Color Health
Classification: Uncertain significance for Familial thoracic aortic aneurysm and aortic dissection. Last evaluated: 2024-03-06. Review status: criteria provided, single submitter. Criteria: ACMG Guidelines, 2015. Collection method: clinical testing. Allele origin: germline.
Comment: This missense variant replaces valine with alanine at codon 1964 of the FBN1 protein. Computational prediction suggests that this variant may not impact protein structure and function (internally defined REVEL score threshold <= 0.5, PMID: 27666373). To our knowledge, functional studies have not been reported for this variant. This variant has not been reported in individuals affected with FBN1-related disorders in the literature. This variant has not been identified in the general population by the Genome Aggregation Database (gnomAD). The available evidence is insufficient to determine the role of this variant in disease conclusively. Therefore, this variant is classified as a Variant of Uncertain Significance.